The following is an entry in ClinVar:

NM_012179.4(FBXO7):c.2T>G (p.Met1Arg)

Gene: FBXO7 (F-box protein 7; plus strand). Cytogenetic location: 22q12.3.
Variant type: single nucleotide variant.
Coding change: c.2T>G on transcript NM_012179.4 (MANE Select); coding-DNA position 2, T replaced by G.
Protein change: p.Met1Arg; changes the start codon (methionine 1).
Molecular consequence: missense variant, initiator codon variant.
Genome position (GRCh38, 1-based): chr22:32,475,004, T>G. VCF-style: chr22-32475004-T-G. GRCh37 (hg19) VCF-style: chr22-32870991-T-G.
Other names: short protein forms M1R.
Identifiers: ClinVar variation 2916108 (VCV002916108.3), dbSNP rs945794813, ClinGen allele CA323427893.

ClinVar aggregate classification (germline): Pathogenic (1 of 4 stars; one submission).

Conditions:
Parkinsonian-pyramidal syndrome. Also called: PARKINSON DISEASE 15, AUTOSOMAL RECESSIVE EARLY-ONSET; PALLIDOPYRAMIDAL SYNDROME; PARKINSON DISEASE 15, AUTOSOMAL RECESSIVE. Identifiers: Orphanet 171695, MedGen C1850100, MONDO:0009830, OMIM 260300.

Allele frequency attached by ClinVar (database versions not stated): TOPMed below 0.00001.

Submission:

Labcorp Genetics (formerly Invitae), Labcorp
Classification: Pathogenic for Parkinsonian-pyramidal syndrome. Last evaluated: 2023-05-31. Review status: criteria provided, single submitter. Criteria: Invitae Variant Classification Sherloc (09022015). Collection method: clinical testing. Allele origin: germline.
Comment: This variant has not been reported in the literature in individuals affected with FBXO7-related conditions. This variant is not present in population databases (gnomAD no frequency). This sequence change affects the initiator methionine of the FBXO7 mRNA. The next in-frame methionine is located at codon 115. This variant disrupts a region of the FBXO7 protein in which other variant(s) (p.Thr22Met ) have been determined to be pathogenic (PMID: 19038853, 21347293, 23933751, 26310625). This suggests that this is a clinically significant region of the protein, and that variants that disrupt it are likely to be disease-causing. For these reasons, this variant has been classified as Pathogenic.

Literature cited by the submitters: PubMed 19038853; PubMed 21347293; PubMed 23933751; PubMed 26310625.